The following is an entry in ClinVar:

ClinVar aggregate classification (germline): Uncertain significance. Review status: criteria provided, single submitter (1 of 4 stars). 2 submissions from 2 submitters: Uncertain significance (1). 1 of the submissions does not count toward it. Last evaluated 2025-06-16.

Conditions:
PLXNA1-related disorder. Also called: PLXNA1-related condition.

Allele frequency attached by ClinVar (database versions not stated): gnomAD 0.00001; TOPMed 0.00002; ExAC 0.00003; gnomAD exomes 0.00004; ESP Exome Variant Server 0.00008.
gnomAD v4.1: 55 of 1,576,832 alleles (0.0035%); highest among the groups gnomAD compares: Non-Finnish European, 0.0043%; no homozygotes.

Submissions (2):

Ambry Genetics
Classification: Uncertain significance. Last evaluated: 2025-06-16. Review status: criteria provided, single submitter. Criteria: Ambry Variant Classification Scheme 2023. Collection method: clinical testing. Allele origin: germline.

PreventionGenetics, part of Exact Sciences
Classification: Uncertain significance for PLXNA1-related condition. Last evaluated: 2024-04-30. Review status: no assertion criteria provided. Collection method: clinical testing. Allele origin: germline. Not counted in ClinVar's aggregate classification.
Comment: The PLXNA1 c.124C>T variant is predicted to result in the amino acid substitution p.Arg42Cys. To our knowledge, this variant has not been reported in the literature. This variant is reported in 0.0055% of alleles in individuals of East Asian descent in gnomAD. At this time, the clinical significance of this variant is uncertain due to the absence of conclusive functional and genetic evidence.

NM_032242.4(PLXNA1):c.124C>T (p.Arg42Cys)

Gene: PLXNA1 (plexin A1; plus strand). Cytogenetic location: 3q21.3.
Variant type: single nucleotide variant.
Coding change: c.124C>T on transcript NM_032242.4 (MANE Select); coding-DNA position 124, C replaced by T.
Protein change: p.Arg42Cys; replaces arginine 42 with cysteine.
Molecular consequence: missense variant.
Genome position (GRCh38, 1-based): chr3:126,988,717, C>T. VCF-style: chr3-126988717-C-T. GRCh37 (hg19) VCF-style: chr3-126707560-C-T.
Other names: short protein forms R42C.
Identifiers: ClinVar variation 2634543 (VCV002634543.3), dbSNP rs370823812, ClinGen allele CA2592913.